The following is an entry in ClinVar:

NM_139215.3(TAF15):c.1524_1544dup (p.492GGYGGDR[6])

Gene: TAF15 (TATA-box binding protein associated factor 15; plus strand). Cytogenetic location: 17q12.
Variant type: Duplication.
Coding change: c.1524_1544dup on transcript NM_139215.3 (MANE Select); coding-DNA positions 1524 to 1544, 21 bases duplicated (CGGAGGAGATCGAGGAGGTTA).
Protein change: p.492GGYGGDR[6].
Molecular consequence: inframe insertion.
Genome position (GRCh38, 1-based): chr17:35,844,823-35,844,843, CGGAGGAGATCGAGGAGGTTA duplicated; duplicating any 21 consecutive bases within chr17:35,844,803-35,844,843 gives the same sequence; the c. name uses the placement nearest the transcript's 3' end. VCF-style (leftmost placement, unchanged base first): chr17-35844802-T-TGGAGGAGATCGAGGAGGTTAC. GRCh37 (hg19) VCF-style: chr17-34171806-T-TGGAGGAGATCGAGGAGGTTAC.
Other names: c.1515_1535dup, p.489GGYGGDR[6] (NM_003487.4); c.1524_1544dup21 (NM_139215.2).
Identifiers: ClinVar variation 1238181 (VCV001238181.22), dbSNP rs760281454, ClinGen allele CA290041576.
Genomic context (GRCh38, chr17:35,844,802, plus strand): 5'-AGATCGAGGTGGCTATGGAGGAGACCGAGGTGGAGGCTATGGTGGAGACCGAGGAGGCTA[T>TGGAGGAGATCGAGGAGGTTAC]GGAGGAGATCGAGGAGGTTACGGAGGAGATCGAGGAGGTTATGGAGGAGATCGAGGAGGC-3'

ClinVar aggregate classification (germline): Benign/Likely benign. Review status: criteria provided, multiple submitters, no conflicts (2 of 4 stars). 3 submissions from 3 submitters: Benign (1); Likely benign (1). 1 of the submissions does not count toward it. Last evaluated 2024-10-01.

Conditions:
TAF15-related disorder. Also called: TAF15-related condition.

Submissions (3):

CeGaT Center for Human Genetics Tuebingen
Classification: Likely benign. Last evaluated: 2024-10-01. Review status: criteria provided, single submitter. Criteria: CeGaT Center For Human Genetics Tuebingen Variant Classification Criteria Version 2. Collection method: clinical testing. Allele origin: germline. Affected: yes. Observed: 2 variant alleles.
Comment: TAF15: BS2

GeneDx
Classification: Benign. Last evaluated: 2021-01-08. Review status: criteria provided, single submitter. Criteria: GeneDx Variant Classification Process June 2021. Collection method: clinical testing. Allele origin: germline. Affected: yes.

PreventionGenetics, part of Exact Sciences
Classification: Likely benign for TAF15-related condition. Last evaluated: 2022-11-28. Review status: no assertion criteria provided. Collection method: clinical testing. Allele origin: germline. Not counted in ClinVar's aggregate classification.
Comment: This variant is classified as likely benign based on ACMG/AMP sequence variant interpretation guidelines (Richards et al. 2015 PMID: 25741868, with internal and published modifications).